The following is an entry in ClinVar:

NM_024105.4(ALG12):c.1457G>A (p.Arg486Gln)

Gene: ALG12 (ALG12 alpha-1,6-mannosyltransferase; minus strand). Cytogenetic location: 22q13.33.
Variant type: single nucleotide variant.
Coding change: c.1457G>A on transcript NM_024105.4 (MANE Select); coding-DNA position 1457, G replaced by A.
Protein change: p.Arg486Gln; replaces arginine 486 with glutamine.
Molecular consequence: missense variant.
Genome position (GRCh38, 1-based): chr22:49,903,848, C>T on the plus strand (G>A on the coding strand, the complement: ALG12 is on the minus strand). VCF-style: chr22-49903848-C-T. GRCh37 (hg19) VCF-style: chr22-50297496-C-T.
Other names: short protein forms R486Q.
Identifiers: ClinVar variation 1357083 (VCV001357083.5), dbSNP rs938305311, ClinGen allele CA10300209.

ClinVar aggregate classification (germline): Uncertain significance (1 of 4 stars; one submission).

Conditions:
ALG12-congenital disorder of glycosylation (CDG1G). Also called: Congenital disorder of glycosylation, type Ig; CDG Ig; ALG12-CDG. Identifiers: Orphanet 79324, MedGen C2931001, MONDO:0011783, OMIM 607143.

Allele frequency attached by ClinVar (database versions not stated): ExAC 0.00001; gnomAD exomes 0.00002; TOPMed 0.00005; gnomAD 0.00006.
gnomAD v4.1: 18 of 1,614,046 alleles (0.0011%); highest among the groups gnomAD compares: African/African-American, 0.012%; no homozygotes.

Submission:

Labcorp Genetics (formerly Invitae), Labcorp
Classification: Uncertain significance for ALG12-congenital disorder of glycosylation. Last evaluated: 2022-02-03. Review status: criteria provided, single submitter. Criteria: Invitae Variant Classification Sherloc (09022015). Collection method: clinical testing. Allele origin: germline.
Comment: This sequence change replaces arginine, which is basic and polar, with glutamine, which is neutral and polar, at codon 486 of the ALG12 protein (p.Arg486Gln). This variant is present in population databases (no rsID available, gnomAD 0.03%). This variant has not been reported in the literature in individuals affected with ALG12-related conditions. Algorithms developed to predict the effect of missense changes on protein structure and function output the following: SIFT: "Tolerated"; PolyPhen-2: "Benign"; Align-GVGD: "Class C0". The glutamine amino acid residue is found in multiple mammalian species, which suggests that this missense change does not adversely affect protein function. In summary, the available evidence is currently insufficient to determine the role of this variant in disease. Therefore, it has been classified as a Variant of Uncertain Significance.